The following is an entry in ClinVar:

ClinVar aggregate classification (germline): Pathogenic. Review status: criteria provided, multiple submitters, no conflicts (2 of 4 stars). 7 submissions from 7 submitters: Pathogenic (7). Last evaluated 2026-01-26.

Conditions:
ETFDH-related disorder. Also called: ETFDH-related condition.
Glutaric acidemia type 2C.
Multiple acyl-CoA dehydrogenase deficiency (MADD). Also called: Glutaric Acidemia type 2; ETHYLMALONIC-ADIPICACIDURIA; GA II; Glutaric acidemia type II; GA 2; Glutaric aciduria, type 2. Identifiers: Orphanet 26791, MedGen C0268596, MONDO:0009282, OMIM 231680.

Allele frequency attached by ClinVar (database versions not stated): gnomAD exomes below 0.00001; TOPMed 0.00002.
gnomAD v4.1: 3 of 1,609,806 alleles (0.00019%); highest among the groups gnomAD compares: East Asian, 0.0045%; no homozygotes.

Submissions (7):

GeneDx
Classification: Pathogenic. Last evaluated: 2026-01-26. Review status: criteria provided, single submitter. Criteria: GeneDx Variant Classification Process June 2021. Collection method: clinical testing. Allele origin: germline.
Comment: Not observed at significant frequency in large population cohorts (gnomAD); In silico analysis supports that this missense variant has a deleterious effect on protein structure/function; This variant is associated with the following publications: (PMID: 32007756, 24522293, 32528171, 40827880, 31785094, 37606529, 35340189, 24357026, 40181460, 19758981)

Labcorp Genetics (formerly Invitae), Labcorp
Classification: Pathogenic for Multiple acyl-CoA dehydrogenase deficiency. Last evaluated: 2026-01-24. Review status: criteria provided, single submitter. Criteria: Invitae Variant Classification Sherloc (09022015). Collection method: clinical testing. Allele origin: germline.
Comment: This sequence change replaces leucine, which is neutral and non-polar, with phenylalanine, which is neutral and non-polar, at codon 409 of the ETFDH protein (p.Leu409Phe). This variant is not present in population databases (gnomAD no frequency). This missense change has been observed in individual(s) with clinical features of multiple acyl-CoA dehydrogenase deficiency (PMID: 19758981, 24522293, 32007756). In at least one individual the data is consistent with being in trans (on the opposite chromosome) from a pathogenic variant. ClinVar contains an entry for this variant (Variation ID: 1069043). Invitae Evidence Modeling of protein sequence and biophysical properties (such as structural, functional, and spatial information, amino acid conservation, physicochemical variation, residue mobility, and thermodynamic stability) indicates that this missense variant is not expected to disrupt ETFDH protein function with a negative predictive value of 80%. For these reasons, this variant has been classified as Pathogenic.

Natera, Inc.
Classification: Pathogenic for Glutaric acidemia type 2C. Last evaluated: 2025-08-21. Review status: criteria provided, single submitter. Criteria: Natera Variant Classification Schema (03/2026). Collection method: clinical testing. Allele origin: germline.
Comment: The c.1227A>C variant in ETFDH is a missense variant predicted to cause substitution of leucine to phenylalanine at amino acid 409. This variant is rare in the general population with a frequency below the threshold expected for the associated phenotype(s). This variant has been observed in one or more individuals affected with the associated recessive disease, as either homozygous or compound heterozygous with a second variant (PMID: 24357026, 29336361). Computational prediction algorithms indicate this variant is likely to affect gene or protein function. Given the available evidence, this variant is classified as Pathogenic.

Fulgent Genetics
Classification: Pathogenic for Multiple acyl-CoA dehydrogenase deficiency. Last evaluated: 2024-04-15. Review status: criteria provided, single submitter. Criteria: ACMG Guidelines, 2015. Collection method: clinical testing. Allele origin: germline.

Baylor Genetics
Classification: Pathogenic for Multiple acyl-CoA dehydrogenase deficiency. Last evaluated: 2024-03-14. Review status: criteria provided, single submitter. Criteria: ACMG Guidelines, 2015. Collection method: clinical testing. Allele origin: unknown.

Blueprint Genetics
Classification: Pathogenic for ETFDH-related disorders. Last evaluated: 2017-11-03. Review status: criteria provided, single submitter. Criteria: ACMG Guidelines, 2015. Collection method: clinical testing. Allele origin: germline. Affected: yes. Observed: 1 variant allele.

Juno Genomics, Hangzhou Juno Genomics, Inc
Classification: Pathogenic for Multiple acyl-CoA dehydrogenase deficiency. Review status: criteria provided, single submitter. Criteria: ACMG Guidelines, 2015. Collection method: clinical testing. Allele origin: germline.
Comment: Absent from controls (or at extremely low frequency if recessive) in Genome Aggregation Database.;Multiple lines of computational evidence support a deleterious effect on the gene or gene product.;For recessive disorders, detected in trans with a pathogenic variant.

Literature cited by the submitters: PubMed 19758981 (cited by Labcorp Genetics (formerly Invitae), Labcorp); PubMed 24522293 (cited by Labcorp Genetics (formerly Invitae), Labcorp); PubMed 32007756 (cited by Labcorp Genetics (formerly Invitae), Labcorp); PubMed 24357026 (cited by Natera, Inc.); PubMed 29336361 (cited by Natera, Inc.).

NM_004453.4(ETFDH):c.1227A>C (p.Leu409Phe)

Gene: ETFDH (electron transfer flavoprotein dehydrogenase; plus strand). Cytogenetic location: 4q32.1.
Variant type: single nucleotide variant.
Coding change: c.1227A>C on transcript NM_004453.4 (MANE Select); coding-DNA position 1227, A replaced by C.
Protein change: p.Leu409Phe; replaces leucine 409 with phenylalanine.
Molecular consequence: missense variant.
Genome position (GRCh38, 1-based): chr4:158,703,533, A>C. VCF-style: chr4-158703533-A-C. GRCh37 (hg19) VCF-style: chr4-159624685-A-C.
Other names: c.1086A>C, p.Leu362Phe (NM_001281737.2); c.1044A>C, p.Leu348Phe (NM_001281738.1); c.1227A>C (NM_004453.3, NM_004453.2); short protein forms L348F, L362F, L409F.
Identifiers: ClinVar variation 1069043 (VCV001069043.18), dbSNP rs1200031596, ClinGen allele CA358563000.